The following is an entry in ClinVar:

NM_000327.4(ROM1):c.206C>T (p.Ala69Val)

Gene: ROM1 (retinal outer segment membrane protein 1; plus strand). Cytogenetic location: 11q12.3.
Variant type: single nucleotide variant.
Coding change: c.206C>T on transcript NM_000327.4 (MANE Select); coding-DNA position 206, C replaced by T.
Protein change: p.Ala69Val; replaces alanine 69 with valine.
Molecular consequence: missense variant.
Genome position (GRCh38, 1-based): chr11:62,613,487, C>T. VCF-style: chr11-62613487-C-T. GRCh37 (hg19) VCF-style: chr11-62380959-C-T.
Other names: short protein forms A69V.
Identifiers: ClinVar variation 1056855 (VCV001056855.9), dbSNP rs748940521, ClinGen allele CA6049669.

ClinVar aggregate classification (germline): Uncertain significance (1 of 4 stars; one submission).

Allele frequency attached by ClinVar (database versions not stated): ExAC 0.00001; gnomAD exomes 0.00001.
gnomAD v4.1: 65 of 1,613,356 alleles (0.004%); highest among the groups gnomAD compares: Non-Finnish European, 0.0053%; no homozygotes.

Submission:

Labcorp Genetics (formerly Invitae), Labcorp
Classification: Uncertain significance. Last evaluated: 2022-09-23. Review status: criteria provided, single submitter. Criteria: Invitae Variant Classification Sherloc (09022015). Collection method: clinical testing. Allele origin: germline.
Comment: This variant has not been reported in the literature in individuals affected with ROM1-related conditions. In summary, the available evidence is currently insufficient to determine the role of this variant in disease. Therefore, it has been classified as a Variant of Uncertain Significance. Advanced modeling of protein sequence and biophysical properties (such as structural, functional, and spatial information, amino acid conservation, physicochemical variation, residue mobility, and thermodynamic stability) performed at Invitae indicates that this missense variant is not expected to disrupt ROM1 protein function. ClinVar contains an entry for this variant (Variation ID: 1056855). This variant is present in population databases (rs748940521, gnomAD 0.003%). This sequence change replaces alanine, which is neutral and non-polar, with valine, which is neutral and non-polar, at codon 69 of the ROM1 protein (p.Ala69Val).